The following is an entry in ClinVar:

NM_000038.6(APC):c.287A>T (p.Tyr96Phe)

Gene: APC (APC regulator of Wnt signaling pathway; plus strand). Cytogenetic location: 5q22.2.
Variant type: single nucleotide variant.
Coding change: c.287A>T on transcript NM_000038.6 (MANE Select); coding-DNA position 287, A replaced by T.
Protein change: p.Tyr96Phe; replaces tyrosine 96 with phenylalanine.
Molecular consequence: missense variant. On other transcripts: 5 prime UTR variant (1).
Genome position (GRCh38, 1-based): chr5:112,767,255, A>T. VCF-style: chr5-112767255-A-T. GRCh37 (hg19) VCF-style: chr5-112102952-A-T.
Other names: c.287A>T, p.Tyr96Phe (NM_001127510.3, NM_001354895.2, NM_001354896.2 and 2 more transcripts); c.317A>T, p.Tyr106Phe (NM_001127511.3, NM_001354897.2, NM_001354902.2); c.212A>T, p.Tyr71Phe (NM_001354898.2, NM_001354904.2); c.110A>T, p.Tyr37Phe (NM_001354900.2, NM_001354901.2, NM_001354905.2); c.-749A>T (NM_001354906.2); short protein forms Y106F, Y96F, Y37F, Y71F.
Identifiers: ClinVar variation 572748 (VCV000572748.16), dbSNP rs760770847, ClinGen allele CA16021960.

ClinVar aggregate classification (germline): Uncertain significance. Review status: criteria provided, multiple submitters, no conflicts (2 of 4 stars). 3 submissions from 3 submitters: Uncertain significance (3). Last evaluated 2024-04-25.

Conditions:
Familial adenomatous polyposis 1 (FAP1). Also called: POLYPOSIS, ADENOMATOUS INTESTINAL; FAMILIAL ADENOMATOUS POLYPOSIS 1, ATTENUATED. Identifiers: MedGen C2713442, MONDO:0021056, OMIM 175100. Disease mechanism: loss of function.
Hereditary cancer-predisposing syndrome. Also called: Neoplastic Syndromes, Hereditary; Hereditary Cancer Syndrome; Tumor predisposition; Hereditary neoplastic syndrome. Identifiers: Orphanet 140162, MedGen C0027672, MeSH D009386, MONDO:0015356.

Submissions (3):

Labcorp Genetics (formerly Invitae), Labcorp
Classification: Uncertain significance for Familial adenomatous polyposis 1. Last evaluated: 2024-04-25. Review status: criteria provided, single submitter. Criteria: Invitae Variant Classification Sherloc (09022015). Collection method: clinical testing. Allele origin: germline.
Comment: This sequence change replaces tyrosine, which is neutral and polar, with phenylalanine, which is neutral and non-polar, at codon 96 of the APC protein (p.Tyr96Phe). This variant is not present in population databases (gnomAD no frequency). This variant has not been reported in the literature in individuals affected with APC-related conditions. ClinVar contains an entry for this variant (Variation ID: 572748). Advanced modeling of protein sequence and biophysical properties (such as structural, functional, and spatial information, amino acid conservation, physicochemical variation, residue mobility, and thermodynamic stability) performed at Invitae indicates that this missense variant is not expected to disrupt APC protein function with a negative predictive value of 95%. In summary, the available evidence is currently insufficient to determine the role of this variant in disease. Therefore, it has been classified as a Variant of Uncertain Significance.

Ambry Genetics
Classification: Uncertain significance for Hereditary cancer-predisposing syndrome. Last evaluated: 2024-03-21. Review status: criteria provided, single submitter. Criteria: Ambry Variant Classification Scheme 2023. Collection method: clinical testing. Allele origin: germline.
Comment: The p.Y96F variant (also known as c.287A>T), located in coding exon 3 of the APC gene, results from an A to T substitution at nucleotide position 287. The tyrosine at codon 96 is replaced by phenylalanine, an amino acid with highly similar properties. This amino acid position is well conserved in available vertebrate species. In addition, in silico predictors for this gene do not accurately predict pathogenicity. Since supporting evidence is limited at this time, the clinical significance of this alteration remains unclear.

Color Diagnostics, LLC DBA Color Health
Classification: Uncertain significance for Hereditary cancer-predisposing syndrome. Last evaluated: 2023-11-13. Review status: criteria provided, single submitter. Criteria: ACMG Guidelines, 2015. Collection method: clinical testing. Allele origin: germline.
Comment: This missense variant replaces tyrosine with phenylalanine at codon 96 of the APC protein. Computational prediction suggests that this variant may not impact protein structure and function (internally defined REVEL score threshold <= 0.5, PMID: 27666373). To our knowledge, functional studies have not been reported for this variant. This variant has not been reported in individuals affected with APC-related disorders in the literature. This variant has not been identified in the general population by the Genome Aggregation Database (gnomAD). The available evidence is insufficient to determine the role of this variant in disease conclusively. Therefore, this variant is classified as a Variant of Uncertain Significance.